The following is an entry in ClinVar:

ClinVar aggregate classification (germline): Pathogenic (1 of 4 stars; one submission).

Submission:

Quest Diagnostics Nichols Institute San Juan Capistrano
Classification: Pathogenic. Last evaluated: 2023-03-17. Review status: criteria provided, single submitter. Criteria: ACMG/ClinGen CNV Guidelines, 2019. Collection method: clinical testing. Allele origin: unknown.
Comment: The copy number loss of Xp22.33 involves several protein-coding genes. Haploinsufficiency of SHOX and of its downstream enhancer is associated with the spectrum of SHOX deficiency disorders (OMIM 127300, 300582, Alexandrou 2016, Binder 2004, Chen 2009, Van Duyvenvoorde 2014, GeneReviews). There are no similar copy number losses of this region in the general populations of the Database of Genomic Variants. Thus, based on current medical literature, this copy number variant (CNV) is classified as pathogenic with variable expressivity. References: Alexandrou et al., J Genet. 2016 Dec;95(4):839-845. PMID: 27994182 Binder et al., J Clin Endocrinol Metab. 2004 Sep;89(9):4403-8. PMID: 15356038 Binder and Rappold, GeneReviews: [Internet]. Seattle (WA): University of Washington, Seattle; 1993. 2005 Dec 12 [updated 2018 Jun 28]. PMID: 20301394 Chen et al., J Med Genet. 2009 Dec;46(12):834-9. PMID: 19578035 Van Duyvenvoorde et al., Eur J Hum Genet. 2014 May;22(5):602-9. PMID: 24065112

GRCh37/hg19 Xp22.33(chrX:168547-2057937)x1

Variant type: copy number loss.
Change: copy number 1 of chrX:168,547-2,057,937 (1.89 Mb, GRCh37 coordinates, 1-based), cytogenetic band Xp22.33.
Identifiers: ClinVar variation 2685685 (VCV002685685.1).